The following is an entry in ClinVar:

NM_001081.4(CUBN):c.5137A>T (p.Thr1713Ser)

Gene: CUBN (cubilin; minus strand). Cytogenetic location: 10p13.
Variant type: single nucleotide variant.
Coding change: c.5137A>T on transcript NM_001081.4 (MANE Select); coding-DNA position 5137, A replaced by T.
Protein change: p.Thr1713Ser; replaces threonine 1713 with serine.
Molecular consequence: missense variant.
Genome position (GRCh38, 1-based): chr10:16,948,550, T>A on the plus strand (A>T on the coding strand, the complement: CUBN is on the minus strand). VCF-style: chr10-16948550-T-A. GRCh37 (hg19) VCF-style: chr10-16990549-T-A.
Other names: short protein forms T1713S.
Identifiers: ClinVar variation 3897439 (VCV003897439.1).

ClinVar aggregate classification (germline): Uncertain significance (1 of 4 stars; one submission).

gnomAD v4.1: 2 of 1,614,018 alleles (0.00012%); highest among the groups gnomAD compares: Admixed American, 0.0033%; no homozygotes.

Submission:

GeneDx
Classification: Uncertain significance. Last evaluated: 2024-11-01. Review status: criteria provided, single submitter. Criteria: GeneDx Variant Classification Process June 2021. Collection method: clinical testing. Allele origin: germline. Affected: yes.
Comment: Not observed at significant frequency in large population cohorts (gnomAD); In silico analysis supports that this missense variant has a deleterious effect on protein structure/function; Has not been previously published as pathogenic or benign to our knowledge